The following is an entry in ClinVar:

NM_000485.3(APRT):c.294G>A (p.Trp98Ter)

Gene: APRT (adenine phosphoribosyltransferase; minus strand). Cytogenetic location: 16q24.3.
Variant type: single nucleotide variant.
Coding change: c.294G>A on transcript NM_000485.3 (MANE Select); coding-DNA position 294, G replaced by A.
Protein change: p.Trp98Ter; replaces tryptophan 98 with a stop codon.
Molecular consequence: nonsense.
Genome position (GRCh38, 1-based): chr16:88,810,450, C>T on the plus strand (G>A on the coding strand, the complement: APRT is on the minus strand). VCF-style: chr16-88810450-C-T. GRCh37 (hg19) VCF-style: chr16-88876858-C-T.
Other names: 1450G>A; c.294G>A, p.Trp98Ter (NM_001030018.2); short protein forms W98*.
Identifiers: ClinVar variation 18298 (VCV000018298.9), dbSNP rs104894507, ClinGen allele CA343882.

ClinVar aggregate classification (germline): Pathogenic. Review status: criteria provided, multiple submitters, no conflicts (2 of 4 stars). 6 submissions from 6 submitters: Pathogenic (3). 3 of the submissions do not count toward it. Last evaluated 2024-09-23.

Conditions:
Adenine phosphoribosyltransferase deficiency (APRTD). Also called: APRT DEFICIENCY; NEPHROLITHIASIS, DHA; Urolithiasis, dha; 2,8-dihydroxyadenine urolithiasis. Identifiers: Orphanet 976, MedGen C0268120, MONDO:0013869, OMIM 614723.

Allele frequency attached by ClinVar (database versions not stated): gnomAD 0.00001; gnomAD exomes 0.00001 and 0.00002; TOPMed 0.00002; ExAC 0.00001.

Submissions (6):

3billion
Classification: Pathogenic for Adenine phosphoribosyltransferase deficiency. Last evaluated: 2024-09-23. Review status: criteria provided, single submitter. Criteria: ACMG Guidelines, 2015. Collection method: clinical testing. Allele origin: germline. Affected: yes.
Comment: The variant is observed at an extremely low frequency in the gnomAD v4.0.0 dataset (total allele frequency: 0.001%). Predicted Consequence/Location: Stop-gained (nonsense): predicted to result in a loss or disruption of normal protein function through nonsense-mediated decay (NMD) or protein truncation. Multiple pathogenic variants are reported downstream of the variant. The variant has been reported at least twice as pathogenic with clinical assertions and evidence for the classification (ClinVar ID: VCV000018298 /PMID: 1977137 /3billion dataset). Therefore, this variant is classified as Pathogenic according to the recommendation of ACMG/AMP guideline.

Fulgent Genetics
Classification: Pathogenic for Adenine phosphoribosyltransferase deficiency. Last evaluated: 2022-04-25. Review status: criteria provided, single submitter. Criteria: ACMG Guidelines, 2015. Collection method: clinical testing. Allele origin: unknown.

Revvity Omics, Revvity
Classification: Pathogenic for Adenine phosphoribosyltransferase deficiency. Last evaluated: 2022-01-06. Review status: criteria provided, single submitter. Criteria: ACMG Guidelines, 2015. Collection method: clinical testing. Allele origin: germline.

APRT Deficiency Research Program of the Rare Kidney Stone Consortium, Landspitali, National University Hospital of Iceland
Classification: Pathogenic for Adenine phosphoribosyltransferase deficiency. Last evaluated: 2020-09-01. Review status: no assertion criteria provided. Collection method: literature only. Allele origin: germline. Affected: yes. Not counted in ClinVar's aggregate classification.

OMIM
Classification: Pathogenic for APRT DEFICIENCY. Last evaluated: 1991-01-01. Review status: no assertion criteria provided. Collection method: literature only. Allele origin: germline. Not counted in ClinVar's aggregate classification.

GeneReviews
No classification provided. Condition: Adenine phosphoribosyltransferase deficiency. Review status: no classification provided. Collection method: literature only. Allele origin: germline. Affected: yes. Not counted in ClinVar's aggregate classification.

Literature cited by the submitters: PubMed 1977137 (cited by 3billion); PubMed 15571218 (cited by APRT Deficiency Research Program of the Rare Kidney Stone Consortium, Landspitali, National University Hospital of Iceland); PubMed 28566603 (cited by APRT Deficiency Research Program of the Rare Kidney Stone Consortium, Landspitali, National University Hospital of Iceland); PubMed 1985452 (cited by OMIM); NCBI Bookshelf NBK100238 (cited by GeneReviews).